The following is an entry in ClinVar:

ClinVar aggregate classification (germline): Uncertain significance (1 of 4 stars; one submission).

Conditions:
Hereditary cancer-predisposing syndrome. Also called: Hereditary Cancer Syndrome; Hereditary neoplastic syndrome; Tumor predisposition; Neoplastic Syndromes, Hereditary. Identifiers: Orphanet 140162, MedGen C0027672, MeSH D009386, MONDO:0015356.

Submission:

Ambry Genetics
Classification: Uncertain significance for Hereditary cancer-predisposing syndrome. Last evaluated: 2021-02-18. Review status: criteria provided, single submitter. Criteria: Ambry Variant Classification Scheme 2023. Collection method: clinical testing. Allele origin: germline.
Comment: The p.E366A variant (also known as c.1097A>C), located in coding exon 10 of the TSC2 gene, results from an A to C substitution at nucleotide position 1097. The glutamic acid at codon 366 is replaced by alanine, an amino acid with dissimilar properties. This amino acid position is highly conserved in available vertebrate species. In addition, the in silico prediction for this alteration is inconclusive. Since supporting evidence is limited at this time, the clinical significance of this alteration remains unclear.

NM_000548.5(TSC2):c.1097A>C (p.Glu366Ala)

Gene: TSC2 (TSC complex subunit 2; plus strand). Cytogenetic location: 16p13.3.
Variant type: single nucleotide variant.
Coding change: c.1097A>C on transcript NM_000548.5 (MANE Select); coding-DNA position 1097, A replaced by C.
Protein change: p.Glu366Ala; replaces glutamic acid 366 with alanine.
Molecular consequence: missense variant.
Genome position (GRCh38, 1-based): chr16:2,060,791, A>C. VCF-style: chr16-2060791-A-C. GRCh37 (hg19) VCF-style: chr16-2110792-A-C.
Other names: c.1097A>C, p.Glu366Ala (NM_001077183.3, NM_001114382.3, NM_001363528.2 and 6 more transcripts); c.986A>C, p.Glu329Ala (NM_001318827.2, NM_001406670.1, NM_001406678.1); c.950A>C, p.Glu317Ala (NM_001318829.2, NM_001406675.1, NM_001406676.1 and 1 more transcripts); c.497A>C, p.Glu166Ala (NM_001318831.2, NM_001406680.1, NM_001406682.1 and 6 more transcripts); c.1130A>C, p.Glu377Ala (NM_001318832.2); c.1187A>C, p.Glu396Ala (NM_001406667.1, NM_001406668.1); c.1085A>C, p.Glu362Ala (NM_001406671.1, NM_001406673.1); c.1040A>C, p.Glu347Ala (NM_001406677.1); and 4 more; short protein forms E166A, E317A, E329A, E366A, E396A, E212A, E347A, E362A.
Identifiers: ClinVar variation 1790864 (VCV001790864.2), dbSNP rs2151138526, ClinGen allele CA394318229.
Genomic context (GRCh38, chr16:2,060,791, plus strand): 5'-TCAAGAAGTATAGGAAGGAGCTCCAGGTGGTGGCGTGGGACATTCTGCTGAACATCATCG[A>C]ACGGCTCCTTCAGCAGCTCCAGGTGGGGTGGGGGCAGGAGCTCCGGGGAGCACCGGGAAC-3'
Protein context (NP_000539.2, residues 356-376): VAWDILLNII[Glu366Ala]RLLQQLQTLD